The following is an entry in ClinVar:

ClinVar aggregate classification (germline): Pathogenic. Review status: criteria provided, multiple submitters, no conflicts (2 of 4 stars). 6 submissions from 6 submitters: Pathogenic (6). Last evaluated 2025-03-18.

Conditions:
Hereditary cancer-predisposing syndrome. Also called: Hereditary Cancer Syndrome; Hereditary neoplastic syndrome; Neoplastic Syndromes, Hereditary; Tumor predisposition. Identifiers: Orphanet 140162, MedGen C0027672, MeSH D009386, MONDO:0015356.
Familial multiple polyposis syndrome (FAP). Also called: Familial adenomatous polyposis; Familial Adenomatous Polyposis (FAP); Familial intestinal polyposis; Familial polyposis; Classic familial adenomatous polyposis. Identifiers: Orphanet 733, MedGen C0032580, MONDO:0021055. Disease mechanism: loss of function.
Familial adenomatous polyposis 1 (FAP1). Also called: POLYPOSIS, ADENOMATOUS INTESTINAL; FAMILIAL ADENOMATOUS POLYPOSIS 1, ATTENUATED. Identifiers: MedGen C2713442, MONDO:0021056, OMIM 175100. Disease mechanism: loss of function.

Submissions (6):

Ambry Genetics
Classification: Pathogenic for Hereditary cancer-predisposing syndrome. Last evaluated: 2025-03-18. Review status: criteria provided, single submitter. Criteria: Ambry Variant Classification Scheme 2023. Collection method: clinical testing. Allele origin: germline.
Comment: The p.Q223* pathogenic mutation, (also known as c.667C>T), located in coding exon 6 of the APC gene, results from a C to T substitution at nucleotide position 667. This changes the amino acid from a glutamine to a stop codon within coding exon 6. This variant was reported in individual(s) with features consistent with APC-related familial adenomatous polyposis (Esplin ED et al. Nat Cancer, 2024 Nov;5:1737-1753). This variant was identified in at least 1/863 colonic polyposis patients from a French cohort (Lagarde A et al. J Med Genet, 2010 Oct;47:721-2). This variant is considered to be rare based on population cohorts in the Genome Aggregation Database (gnomAD). This alteration is expected to result in loss of function by premature protein truncation or nonsense-mediated mRNA decay. As such, this alteration is interpreted as a disease-causing mutation.

GeneDx
Classification: Pathogenic. Last evaluated: 2024-06-24. Review status: criteria provided, single submitter. Criteria: GeneDx Variant Classification Process June 2021. Collection method: clinical testing. Allele origin: germline. Affected: yes.
Comment: Nonsense variant predicted to result in protein truncation or nonsense mediated decay in a gene for which loss of function is a known mechanism of disease; Not observed at significant frequency in large population cohorts (gnomAD); This variant is associated with the following publications: (PMID: 9342373, 25525159, 27302369, 25980754, 20685668)

Labcorp Genetics (formerly Invitae), Labcorp
Classification: Pathogenic for Familial adenomatous polyposis 1. Last evaluated: 2023-09-03. Review status: criteria provided, single submitter. Criteria: Invitae Variant Classification Sherloc (09022015). Collection method: clinical testing. Allele origin: germline.
Comment: ClinVar contains an entry for this variant (Variation ID: 433610). This premature translational stop signal has been observed in individual(s) with familial adenomatous polyposis (PMID: 20685668). This variant is not present in population databases (gnomAD no frequency). This sequence change creates a premature translational stop signal (p.Gln223*) in the APC gene. It is expected to result in an absent or disrupted protein product. Loss-of-function variants in APC are known to be pathogenic (PMID: 17963004, 20685668). For these reasons, this variant has been classified as Pathogenic.

Myriad Genetics, Inc.
Classification: Pathogenic for Familial adenomatous polyposis 1. Last evaluated: 2023-04-27. Review status: criteria provided, single submitter. Criteria: Myriad Autosomal Dominant, Autosomal Recessive and X-Linked Classification Criteria (2023). Collection method: clinical testing. Allele origin: unknown.
Comment: This variant is considered pathogenic. This variant creates a termination codon and is predicted to result in premature protein truncation.

Baylor Genetics
Classification: Pathogenic for Familial adenomatous polyposis 1. Last evaluated: 2023-02-15. Review status: criteria provided, single submitter. Criteria: ACMG Guidelines, 2015. Collection method: clinical testing. Allele origin: unknown.

Department of Pathology and Laboratory Medicine, Sinai Health System
Classification: Pathogenic for Familial multiple polyposis syndrome. Review status: criteria provided, single submitter. Criteria: ACMG Guidelines, 2015. Collection method: clinical testing. Allele origin: germline. Affected: yes. Study: Canadian Open Genetics Repository (COGR).

Literature cited by the submitters: PubMed 20685668 (cited by Ambry Genetics and Labcorp Genetics (formerly Invitae), Labcorp); PubMed 39478120 (cited by Ambry Genetics); PubMed 17963004 (cited by Labcorp Genetics (formerly Invitae), Labcorp).

NM_000038.6(APC):c.667C>T (p.Gln223Ter)

Gene: APC (APC regulator of Wnt signaling pathway; plus strand). Cytogenetic location: 5q22.2.
Variant type: single nucleotide variant.
Coding change: c.667C>T on transcript NM_000038.6 (MANE Select); coding-DNA position 667, C replaced by T.
Protein change: p.Gln223Ter; replaces glutamine 223 with a stop codon.
Molecular consequence: nonsense. On other transcripts: 5 prime UTR variant (1), intron variant (2).
Genome position (GRCh38, 1-based): chr5:112,792,467, C>T. VCF-style: chr5-112792467-C-T. GRCh37 (hg19) VCF-style: chr5-112128164-C-T.
Other names: c.667C>T, p.Gln223Ter (NM_001127510.3, NM_001354895.2, NM_001354896.2 and 1 more transcripts); c.697C>T, p.Gln233Ter (NM_001354897.2, NM_001354902.2); c.592C>T, p.Gln198Ter (NM_001354898.2, NM_001354904.2); c.490C>T, p.Gln164Ter (NM_001354900.2, NM_001354901.2, NM_001354905.2); c.-369C>T (NM_001354906.2); c.676-8812C>T (NM_001127511.3); c.646-8812C>T (NM_001354899.2); short protein forms Q223*, Q233*, Q164*, Q198*.
Identifiers: ClinVar variation 433610 (VCV000433610.16), dbSNP rs1554074738, ClinGen allele CA16022794.